The following is an entry in ClinVar:

ClinVar aggregate classification (germline): Pathogenic (1 of 4 stars; one submission).

Allele frequency attached by ClinVar (database versions not stated): gnomAD exomes 0.00001.
gnomAD v4.1: 5 of 1,614,170 alleles (0.00031%); highest among the groups gnomAD compares: East Asian, 0.011%; no homozygotes.

Submission:

Labcorp Genetics (formerly Invitae), Labcorp
Classification: Pathogenic. Last evaluated: 2022-02-10. Review status: criteria provided, single submitter. Criteria: Invitae Variant Classification Sherloc (09022015). Collection method: clinical testing. Allele origin: germline.
Comment: Algorithms developed to predict the effect of sequence changes on RNA splicing suggest that this variant may disrupt the consensus splice site. This sequence change affects a donor splice site in intron 2 of the ABHD12 gene. It is expected to disrupt RNA splicing. Variants that disrupt the donor or acceptor splice site typically lead to a loss of protein function (PMID: 16199547), and loss-of-function variants in ABHD12 are known to be pathogenic (PMID: 20797687). This variant is not present in population databases (gnomAD no frequency). Disruption of this splice site has been observed in individuals with polyneuropathy, hearing loss, ataxia, retinitis pigmentosa, and cataract (PMID: 25743180). ClinVar contains an entry for this variant (Variation ID: 1073481). For these reasons, this variant has been classified as Pathogenic.

Literature cited by the submitters: PubMed 16199547; PubMed 20797687; PubMed 25743180.

NM_001042472.3(ABHD12):c.316+2T>A

Gene: ABHD12 (abhydrolase domain containing 12, lysophospholipase; minus strand). Cytogenetic location: 20p11.21.
Variant type: single nucleotide variant.
Coding change: c.316+2T>A on transcript NM_001042472.3 (MANE Select); the canonical splice donor site of the intron after coding-DNA position 316, T replaced by A.
Molecular consequence: splice donor variant.
Genome position (GRCh38, 1-based): chr20:25,339,225, A>T on the plus strand (T>A on the coding strand, the complement: ABHD12 is on the minus strand). VCF-style: chr20-25339225-A-T. GRCh37 (hg19) VCF-style: chr20-25319861-A-T.
Other names: c.316+2T>A (NM_015600.5).
Identifiers: ClinVar variation 1073481 (VCV001073481.9), dbSNP rs2089421415, ClinGen allele CA408445583.